The following is an entry in ClinVar:

ClinVar aggregate classification (germline): Uncertain significance. Review status: criteria provided, multiple submitters, no conflicts (2 of 4 stars). 2 submissions from 2 submitters: Uncertain significance (2). Last evaluated 2025-12-21.

Conditions:
Shprintzen-Goldberg syndrome (SGS). Also called: Marfanoid disorder with craniosynostosis type 1; Marfanoid craniosynostosis syndrome; Shprintzen-Goldberg marfanoid syndrome; SHPRINTZEN-GOLDBERG CRANIOSYNOSTOSIS SYNDROME; CRANIOSYNOSTOSIS WITH ARACHNODACTYLY AND ABDOMINAL HERNIAS. Identifiers: Orphanet 2462, MedGen C1321551, MONDO:0008426, OMIM 182212.
Familial thoracic aortic aneurysm and aortic dissection (TAAD). Also called: Thoracic aortic aneurysms and dissections. Identifiers: Orphanet 91387, MedGen C4707243, MONDO:0019625.

gnomAD v4.1: 3 of 1,610,148 alleles (0.00019%); highest among the groups gnomAD compares: African/African-American, 0.0013%; no homozygotes.

Submissions (2):

Labcorp Genetics (formerly Invitae), Labcorp
Classification: Uncertain significance for Shprintzen-Goldberg syndrome. Last evaluated: 2025-12-21. Review status: criteria provided, single submitter. Criteria: Invitae Variant Classification Sherloc (09022015). Collection method: clinical testing. Allele origin: germline.
Comment: This sequence change replaces arginine, which is basic and polar, with histidine, which is basic and polar, at codon 216 of the SKI protein (p.Arg216His). This variant is not present in population databases (gnomAD no frequency). This variant has not been reported in the literature in individuals affected with SKI-related conditions. ClinVar contains an entry for this variant (Variation ID: 3666772). Invitae Evidence Modeling of protein sequence and biophysical properties (such as structural, functional, and spatial information, amino acid conservation, physicochemical variation, residue mobility, and thermodynamic stability) indicates that this missense variant is not expected to disrupt SKI protein function with a negative predictive value of 95%. In summary, the available evidence is currently insufficient to determine the role of this variant in disease. Therefore, it has been classified as a Variant of Uncertain Significance.

Ambry Genetics
Classification: Uncertain significance for Familial thoracic aortic aneurysm and aortic dissection. Last evaluated: 2025-12-07. Review status: criteria provided, single submitter. Criteria: Ambry Variant Classification Scheme 2023. Collection method: clinical testing. Allele origin: germline.
Comment: The p.R216H variant (also known as c.647G>A), located in coding exon 1 of the SKI gene, results from a G to A substitution at nucleotide position 647. The arginine at codon 216 is replaced by histidine, an amino acid with highly similar properties. This amino acid position is conserved. In addition, the in silico prediction for this alteration is inconclusive. Based on the available evidence, the clinical significance of this variant remains unclear.

NM_003036.4(SKI):c.647G>A (p.Arg216His)

Gene: SKI (SKI proto-oncogene; plus strand). Cytogenetic location: 1p36.33.
Variant type: single nucleotide variant.
Coding change: c.647G>A on transcript NM_003036.4 (MANE Select); coding-DNA position 647, G replaced by A.
Protein change: p.Arg216His; replaces arginine 216 with histidine.
Molecular consequence: missense variant.
Genome position (GRCh38, 1-based): chr1:2,229,413, G>A. VCF-style: chr1-2229413-G-A. GRCh37 (hg19) VCF-style: chr1-2160852-G-A.
Other names: c.647G>A (NM_003036.3); short protein forms R216H.
Identifiers: ClinVar variation 3666772 (VCV003666772.3).